The following is an entry in ClinVar:

NM_004656.4(BAP1):c.68-4G>A

Gene: BAP1 (BRCA1 associated deubiquitinase 1; minus strand). Cytogenetic location: 3p21.1.
Variant type: single nucleotide variant.
Coding change: c.68-4G>A on transcript NM_004656.4 (MANE Select); 4 bases into the intron before coding-DNA position 68, G replaced by A.
Molecular consequence: intron variant.
Genome position (GRCh38, 1-based): chr3:52,409,612, C>T on the plus strand (G>A on the coding strand, the complement: BAP1 is on the minus strand). VCF-style: chr3-52409612-C-T. GRCh37 (hg19) VCF-style: chr3-52443628-C-T.
Identifiers: ClinVar variation 629178 (VCV000629178.10), dbSNP rs1559592875, ClinGen allele CA913188155.

ClinVar aggregate classification (germline): Conflicting classifications of pathogenicity. Review status: criteria provided, conflicting classifications (1 of 4 stars). 4 submissions from 4 submitters: Uncertain significance (2); Likely benign (2). Last evaluated 2025-10-13.

Conditions:
Hereditary cancer-predisposing syndrome. Also called: Neoplastic Syndromes, Hereditary; Tumor predisposition; Hereditary neoplastic syndrome; Hereditary Cancer Syndrome. Identifiers: Orphanet 140162, MedGen C0027672, MeSH D009386, MONDO:0015356.
BAP1-related tumor predisposition syndrome (TPDS1). Also called: Tumor susceptibility linked to germline BAP1 mutations; BAP1 tumor predisposition syndrome; TUMOR PREDISPOSITION SYNDROME 1; COMMON Syndrome. Identifiers: Orphanet 289539, MedGen C3280492, MONDO:0013692, OMIM 614327.

Submissions (4):

Labcorp Genetics (formerly Invitae), Labcorp
Classification: Likely benign for BAP1-related tumor predisposition syndrome. Last evaluated: 2025-10-13. Review status: criteria provided, single submitter. Criteria: Invitae Variant Classification Sherloc (09022015). Collection method: clinical testing. Allele origin: germline.

Myriad Genetics, Inc.
Classification: Likely benign for BAP1-related tumor predisposition syndrome. Last evaluated: 2024-07-11. Review status: criteria provided, single submitter. Criteria: Myriad Autosomal Dominant, Autosomal Recessive and X-Linked Classification Criteria (2023). Collection method: clinical testing. Allele origin: unknown.
Comment: This variant is considered likely benign. This variant is intronic and is not expected to impact mRNA splicing.

Ambry Genetics
Classification: Uncertain significance for Hereditary cancer-predisposing syndrome. Last evaluated: 2023-05-16. Review status: criteria provided, single submitter. Criteria: Ambry Variant Classification Scheme 2023. Collection method: clinical testing. Allele origin: germline.
Comment: The c.68-4G>A intronic variant results from a G to A substitution 4 nucleotides upstream from coding exon 3 in the BAP1 gene. This nucleotide position is well conserved in available vertebrate species. In silico splice site analysis predicts that this alteration will not have any significant effect on splicing. Since supporting evidence is limited at this time, the clinical significance of this alteration remains unclear.

Color Diagnostics, LLC DBA Color Health
Classification: Uncertain significance for Hereditary cancer-predisposing syndrome. Last evaluated: 2019-03-17. Review status: criteria provided, single submitter. Criteria: ACMG Guidelines, 2015. Collection method: clinical testing. Allele origin: germline.